The following is an entry in ClinVar:

ClinVar aggregate classification (germline): Uncertain significance (1 of 4 stars; one submission).

Submission:

GeneDx
Classification: Uncertain significance. Last evaluated: 2024-02-15. Review status: criteria provided, single submitter. Criteria: GeneDx Variant Classification Process June 2021. Collection method: clinical testing. Allele origin: germline. Affected: yes.
Comment: Not observed at significant frequency in large population cohorts (gnomAD); Missense variants in this gene are a common cause of disease and they are underrepresented in the general population; In silico analysis supports that this missense variant has a deleterious effect on protein structure/function; Has not been previously published as pathogenic or benign to our knowledge

NM_001184880.2(PCDH19):c.388C>T (p.Pro130Ser)

Gene: PCDH19 (protocadherin 19; minus strand). Cytogenetic location: Xq22.1.
Variant type: single nucleotide variant.
Coding change: c.388C>T on transcript NM_001184880.2 (MANE Select); coding-DNA position 388, C replaced by T.
Protein change: p.Pro130Ser; replaces proline 130 with serine.
Molecular consequence: missense variant.
Genome position (GRCh38, 1-based): chrX:100,408,210, G>A on the plus strand (C>T on the coding strand, the complement: PCDH19 is on the minus strand). VCF-style: chrX-100408210-G-A. GRCh37 (hg19) VCF-style: chrX-99663208-G-A.
Other names: c.388C>T, p.Pro130Ser (NM_001105243.2, NM_020766.3); short protein forms P130S.
Identifiers: ClinVar variation 3369267 (VCV003369267.1).